The following is an entry in ClinVar:

ClinVar aggregate classification (germline): Uncertain significance (1 of 4 stars; one submission).

Allele frequency attached by ClinVar (database versions not stated): gnomAD exomes below 0.00001.
gnomAD v4.1: 2 of 1,614,082 alleles (0.00012%); highest among the groups gnomAD compares: East Asian, 0.0022%; no homozygotes.

Submission:

Labcorp Genetics (formerly Invitae), Labcorp
Classification: Uncertain significance. Last evaluated: 2022-07-14. Review status: criteria provided, single submitter. Criteria: Invitae Variant Classification Sherloc (09022015). Collection method: clinical testing. Allele origin: germline.
Comment: In summary, the available evidence is currently insufficient to determine the role of this variant in disease. Therefore, it has been classified as a Variant of Uncertain Significance. Advanced modeling of protein sequence and biophysical properties (such as structural, functional, and spatial information, amino acid conservation, physicochemical variation, residue mobility, and thermodynamic stability) performed at Invitae indicates that this missense variant is expected to disrupt KCNH1 protein function. This variant has not been reported in the literature in individuals affected with KCNH1-related conditions. This variant is not present in population databases (gnomAD no frequency). This sequence change replaces glutamic acid, which is acidic and polar, with lysine, which is basic and polar, at codon 279 of the KCNH1 protein (p.Glu279Lys).

NM_172362.3(KCNH1):c.835G>A (p.Glu279Lys)

Gene: KCNH1 (potassium voltage-gated channel subfamily H member 1; minus strand). Cytogenetic location: 1q32.2.
Variant type: single nucleotide variant.
Coding change: c.835G>A on transcript NM_172362.3 (MANE Select); coding-DNA position 835, G replaced by A.
Protein change: p.Glu279Lys; replaces glutamic acid 279 with lysine.
Molecular consequence: missense variant.
Genome position (GRCh38, 1-based): chr1:211,018,980, C>T on the plus strand (G>A on the coding strand, the complement: KCNH1 is on the minus strand). VCF-style: chr1-211018980-C-T. GRCh37 (hg19) VCF-style: chr1-211192322-C-T.
Other names: c.835G>A, p.Glu279Lys (NM_002238.4); short protein forms E279K.
Identifiers: ClinVar variation 1719083 (VCV001719083.5), dbSNP rs2526596319, ClinGen allele CA344875956.